The following is an entry in ClinVar:

NM_001330700.2(TOP2B):c.397G>T (p.Glu133Ter)

Gene: TOP2B (DNA topoisomerase II beta; minus strand). Cytogenetic location: 3p24.2.
Variant type: single nucleotide variant.
Coding change: c.397G>T on transcript NM_001330700.2 (MANE Select); coding-DNA position 397, G replaced by T.
Protein change: p.Glu133Ter; replaces glutamic acid 133 with a stop codon.
Molecular consequence: nonsense.
Genome position (GRCh38, 1-based): chr3:25,638,309, C>A on the plus strand (G>T on the coding strand, the complement: TOP2B is on the minus strand). VCF-style: chr3-25638309-C-A. GRCh37 (hg19) VCF-style: chr3-25679800-C-A.
Other names: c.382G>T, p.Glu128Ter (NM_001068.3); short protein forms E128*, E133*.
Identifiers: ClinVar variation 4880165 (VCV004880165.1).
Genomic context (GRCh38, chr3:25,638,309, plus strand): 5'-CCTTGTGTTCTACTACTGGAATGCCTTTCCCATTATTCCAAATGCTTATAATGTTAGATT[C>A]ACTGTAAAAAAAAAAAAAAAAAAAAAAAAAAAAAAAAAAAAAAGCAGAATTTAGAGCTTA-3'

ClinVar aggregate classification (germline): Likely pathogenic (1 of 4 stars; one submission).

Conditions:
Primary ciliary dyskinesia. Also called: Ciliary dyskinesia. Identifiers: Orphanet 244, MedGen C0008780, MONDO:0016575, HP:0012265.

Submission:

Department of Human Genetics, Hannover Medical School
Classification: Likely pathogenic for Primary Ciliary Dyskinesia. Last evaluated: 2026-04-01. Review status: criteria provided, single submitter. Criteria: ACMG Guidelines, 2015. Collection method: research. Allele origin: germline. Affected: no.
Comment: Classification performed by HerediClassify using the following criteria:['PM2_supporting: Variant occures does not occur as homozygous in gnomAD.', 'PVS1_protein_very_strong: Transcript ENST00000264331 is predicted to undergo NMD.']